The following is an entry in ClinVar:

ClinVar aggregate classification (germline): Uncertain significance. Review status: criteria provided, multiple submitters, no conflicts (2 of 4 stars). 2 submissions from 2 submitters: Uncertain significance (2). Last evaluated 2025-03-18.

Conditions:
Cardiovascular phenotype. Identifiers: MedGen CN230736.

gnomAD v4.1: 1 of 1,613,718 alleles (0.000062%); highest among the groups gnomAD compares: Non-Finnish European, 0.000085%; no homozygotes.

Submissions (2):

Ambry Genetics
Classification: Uncertain significance for Cardiovascular phenotype. Last evaluated: 2025-03-18. Review status: criteria provided, single submitter. Criteria: Ambry Variant Classification Scheme 2023. Collection method: clinical testing. Allele origin: germline.

GeneDx
Classification: Uncertain significance. Last evaluated: 2025-01-13. Review status: criteria provided, single submitter. Criteria: GeneDx Variant Classification Process June 2021. Collection method: clinical testing. Allele origin: germline. Affected: yes.
Comment: Not observed at significant frequency in large population cohorts (gnomAD); In silico analysis supports that this missense variant has a deleterious effect on protein structure/function; Has not been previously published as pathogenic or benign to our knowledge

NM_174936.4(PCSK9):c.997G>T (p.Val333Phe)

Gene: PCSK9 (proprotein convertase subtilisin/kexin type 9; plus strand). Cytogenetic location: 1p32.3.
Variant type: single nucleotide variant.
Coding change: c.997G>T on transcript NM_174936.4 (MANE Select); coding-DNA position 997, G replaced by T.
Protein change: p.Val333Phe; replaces valine 333 with phenylalanine.
Molecular consequence: missense variant. On other transcripts: non-coding transcript variant (7).
Genome position (GRCh38, 1-based): chr1:55,057,331, G>T. VCF-style: chr1-55057331-G-T. GRCh37 (hg19) VCF-style: chr1-55523004-G-T.
Other names: c.1120G>T, p.Val374Phe (NM_001407240.1); c.997G>T, p.Val333Phe (NM_001407241.1, NM_001407244.1, NM_001407247.1); c.1000G>T, p.Val334Phe (NM_001407242.1); c.940G>T, p.Val314Phe (NM_001407243.1); c.805G>T, p.Val269Phe (NM_001407245.1); c.622G>T, p.Val208Phe (NM_001407246.1); short protein forms V269F, V314F, V333F, V334F, V374F, V208F.
Identifiers: ClinVar variation 3929797 (VCV003929797.2).